The following is an entry in ClinVar:

NM_000443.4(ABCB4):c.136-2A>G

Gene: ABCB4 (ATP binding cassette subfamily B member 4; minus strand). Cytogenetic location: 7q21.12.
Variant type: single nucleotide variant.
Coding change: c.136-2A>G on transcript NM_000443.4 (MANE Select); the canonical splice acceptor site of the intron before coding-DNA position 136, A replaced by G.
Molecular consequence: splice acceptor variant.
Genome position (GRCh38, 1-based): chr7:87,462,910, T>C on the plus strand (A>G on the coding strand, the complement: ABCB4 is on the minus strand). VCF-style: chr7-87462910-T-C. GRCh37 (hg19) VCF-style: chr7-87092226-T-C.
Other names: c.136-2A>G (NM_018850.3, NM_018849.3, NM_000443.3).
Identifiers: ClinVar variation 4846340 (VCV004846340.2).

ClinVar aggregate classification (germline): Pathogenic/Likely pathogenic. Review status: criteria provided, multiple submitters, no conflicts (2 of 4 stars). 2 submissions from 2 submitters: Pathogenic (1); Likely pathogenic (1). Last evaluated 2026-05-10.

Conditions:
ABCB4-related disorder. Also called: ABCB4-related disorders; ABCB4-related condition.
Familial intrahepatic cholestasis. Identifiers: Orphanet 284385, MedGen CN296401, MONDO:0017290.

Submissions (2):

PreventionGenetics, part of Exact Sciences
Classification: Likely pathogenic for ABCB4-related condition. Last evaluated: 2026-05-10. Review status: criteria provided, single submitter. Criteria: ACMG Guidelines, 2015. Collection method: clinical testing. Allele origin: germline.
Comment: The ABCB4 c.136-2A>G variant is predicted to disrupt the AG splice acceptor site and interfere with normal splicing. This variant was reported along with a second variant in ABCB4 in an individual with familial progressive intrahepatic cholestasis (Chen et al. 2022. PubMed ID: 36550572). This variant has not been reported in a large population database (gnomAD), indicating this variant is rare. Variants that disrupt the consensus splice acceptor site in ABCB4 are expected to be pathogenic. This variant is interpreted as likely pathogenic.

Genomenon, Inc
Classification: Pathogenic for Familial intrahepatic cholestasis. Last evaluated: 2026-04-14. Review status: criteria provided, single submitter. Criteria: Genomenon Sequence Variant Interpretation Standards - Updated. Collection method: curation. Allele origin: germline. Affected: yes.
Comment: ABCB4 c.136-2A>G is a canonical splice variant affecting the acceptor splice site of intron 3. It is predicted to affect mRNA splicing, leading to a deleterious effect on the ABCB4 protein. This variant has been observed in at least one proband with an ABCB4-related disorder (PMID:36550572). It is absent or not present at a significant frequency in gnomAD. In conclusion, we classify ABCB4 c.136-2A>G as a pathogenic variant.

Literature cited by the submitters: PubMed 36550572 (cited by Genomenon, Inc).